The following is an entry in ClinVar:

NM_004525.3(LRP2):c.6586G>T (p.Val2196Phe)

Gene: LRP2 (LDL receptor related protein 2; minus strand). Cytogenetic location: 2q31.1.
Variant type: single nucleotide variant.
Coding change: c.6586G>T on transcript NM_004525.3 (MANE Select); coding-DNA position 6586, G replaced by T.
Protein change: p.Val2196Phe; replaces valine 2196 with phenylalanine.
Molecular consequence: missense variant.
Genome position (GRCh38, 1-based): chr2:169,207,134, C>A on the plus strand (G>T on the coding strand, the complement: LRP2 is on the minus strand). VCF-style: chr2-169207134-C-A. GRCh37 (hg19) VCF-style: chr2-170063644-C-A.
Other names: c.6586G>T (NM_004525.2); short protein forms V2196F.
Identifiers: ClinVar variation 1522229 (VCV001522229.6), dbSNP rs746579590, ClinGen allele CA1954248.
Genomic context (GRCh38, chr2:169,207,134, plus strand): 5'-CAATCTTTGGTCTCTGCCCATAGTCAGCCCAGAAGAGGTATCTGTTCTTGGGATCTACAA[C>A]AATATGCCTAGGCATGTCCACTGTGACTTTAAGAAGAACACGGCGGTAAGTAGTATTGAT-3'
Protein context (NP_004516.2, residues 2186-2206): KVTVDMPRHI[Val2196Phe]VDPKNRYLFW

ClinVar aggregate classification (germline): Uncertain significance. Review status: criteria provided, multiple submitters, no conflicts (2 of 4 stars). 2 submissions from 2 submitters: Uncertain significance (2). Last evaluated 2024-05-24.

Conditions:
Inborn genetic diseases. Identifiers: MedGen C0950123, MeSH D030342.

Allele frequency attached by ClinVar (database versions not stated): ExAC 0.00001; gnomAD exomes 0.00001; TOPMed 0.00002; gnomAD 0.00003 and 0.00004.
gnomAD v4.1: 8 of 1,612,182 alleles (0.0005%); highest among the groups gnomAD compares: African/African-American, 0.011%; no homozygotes.

Submissions (2):

Ambry Genetics
Classification: Uncertain significance for Inborn genetic diseases. Last evaluated: 2024-05-24. Review status: criteria provided, single submitter. Criteria: Ambry Variant Classification Scheme 2023. Collection method: clinical testing. Allele origin: germline.

Labcorp Genetics (formerly Invitae), Labcorp
Classification: Uncertain significance. Last evaluated: 2022-08-22. Review status: criteria provided, single submitter. Criteria: Invitae Variant Classification Sherloc (09022015). Collection method: clinical testing. Allele origin: germline.
Comment: This sequence change replaces valine, which is neutral and non-polar, with phenylalanine, which is neutral and non-polar, at codon 2196 of the LRP2 protein (p.Val2196Phe). This variant is present in population databases (rs746579590, gnomAD 0.02%). This variant has not been reported in the literature in individuals affected with LRP2-related conditions. ClinVar contains an entry for this variant (Variation ID: 1522229). Advanced modeling of protein sequence and biophysical properties (such as structural, functional, and spatial information, amino acid conservation, physicochemical variation, residue mobility, and thermodynamic stability) performed at Invitae indicates that this missense variant is expected to disrupt LRP2 protein function. In summary, the available evidence is currently insufficient to determine the role of this variant in disease. Therefore, it has been classified as a Variant of Uncertain Significance.